The following is an entry in ClinVar:

NM_004304.5(ALK):c.4225G>A (p.Glu1409Lys)

Gene: ALK (ALK receptor tyrosine kinase; minus strand). Cytogenetic location: 2p23.2.
Variant type: single nucleotide variant.
Coding change: c.4225G>A on transcript NM_004304.5 (MANE Select); coding-DNA position 4225, G replaced by A.
Protein change: p.Glu1409Lys; replaces glutamic acid 1409 with lysine.
Molecular consequence: missense variant.
Genome position (GRCh38, 1-based): chr2:29,193,862, C>T on the plus strand (G>A on the coding strand, the complement: ALK is on the minus strand). VCF-style: chr2-29193862-C-T. GRCh37 (hg19) VCF-style: chr2-29416728-C-T.
Other names: c.1021G>A, p.Glu341Lys (NM_001353765.2); short protein forms E341K, E1409K.
Identifiers: ClinVar variation 1738858 (VCV001738858.2), dbSNP rs2148138998, ClinGen allele CA346463212.

ClinVar aggregate classification (germline): Uncertain significance (1 of 4 stars; one submission).

Conditions:
Hereditary cancer-predisposing syndrome. Also called: Hereditary Cancer Syndrome; Hereditary neoplastic syndrome; Neoplastic Syndromes, Hereditary; Tumor predisposition. Identifiers: Orphanet 140162, MedGen C0027672, MeSH D009386, MONDO:0015356.

Submission:

Ambry Genetics
Classification: Uncertain significance for Hereditary cancer-predisposing syndrome. Last evaluated: 2022-10-15. Review status: criteria provided, single submitter. Criteria: Ambry Variant Classification Scheme 2023. Collection method: clinical testing. Allele origin: germline.
Comment: The p.E1409K variant (also known as c.4225G>A), located in coding exon 29 of the ALK gene, results from a G to A substitution at nucleotide position 4225. The glutamic acid at codon 1409 is replaced by lysine, an amino acid with similar properties. This amino acid position is conserved. In addition, the in silico prediction for this alteration is inconclusive. Since supporting evidence is limited at this time, the clinical significance of this alteration remains unclear.